The following is an entry in ClinVar:

ClinVar aggregate classification (germline): Pathogenic (1 of 4 stars; one submission).

Conditions:
Immunodeficiency 23 (IMD23). Also called: IMMUNODEFICIENCY-VASCULITIS-MYOCLONUS SYNDROME; IMMUNODEFICIENCY WITH HYPER IgE AND COGNITIVE IMPAIRMENT. Identifiers: Orphanet 443811, MedGen C4014371, MONDO:0014353, OMIM 615816.

Submission:

Labcorp Genetics (formerly Invitae), Labcorp
Classification: Pathogenic for Immunodeficiency 23. Last evaluated: 2023-10-04. Review status: criteria provided, single submitter. Criteria: Invitae Variant Classification Sherloc (09022015). Collection method: clinical testing. Allele origin: germline.
Comment: This sequence change creates a premature translational stop signal (p.Ser235*) in the PGM3 gene. It is expected to result in an absent or disrupted protein product. Loss-of-function variants in PGM3 are known to be pathogenic (PMID: 17548465, 24589341, 24931394). This variant is not present in population databases (gnomAD no frequency). This variant has not been reported in the literature in individuals affected with PGM3-related conditions. For these reasons, this variant has been classified as Pathogenic.

Literature cited by the submitters: PubMed 17548465; PubMed 24589341; PubMed 24931394.

NM_015599.3(PGM3):c.620C>G (p.Ser207Ter)

Gene: PGM3 (phosphoglucomutase 3; minus strand). Cytogenetic location: 6q14.1.
Variant type: single nucleotide variant.
Coding change: c.620C>G on transcript NM_015599.3 (MANE Select); coding-DNA position 620, C replaced by G.
Protein change: p.Ser207Ter; replaces serine 207 with a stop codon.
Molecular consequence: nonsense. On other transcripts: non-coding transcript variant (1).
Genome position (GRCh38, 1-based): chr6:83,181,903, G>C on the plus strand (C>G on the coding strand, the complement: PGM3 is on the minus strand). VCF-style: chr6-83181903-G-C. GRCh37 (hg19) VCF-style: chr6-83891622-G-C.
Other names: c.704C>G, p.Ser235Ter (NM_001199917.2, NM_001367287.1); c.377C>G, p.Ser126Ter (NM_001199918.2); c.620C>G, p.Ser207Ter (NM_001199919.2, NM_001367286.1); short protein forms S126*, S207*, S235*.
Identifiers: ClinVar variation 2808030 (VCV002808030.3), dbSNP rs2538141187, ClinGen allele CA364882314.